The following is an entry in ClinVar:

NM_001283009.2(RTEL1):c.763G>A (p.Val255Met)

Genes: RTEL1 (regulator of telomere elongation helicase 1; plus strand), RTEL1-TNFRSF6B (RTEL1-TNFRSF6B readthrough (NMD candidate); plus strand). Cytogenetic location: 20q13.33.
Variant type: single nucleotide variant.
Coding change: c.763G>A on transcript NM_001283009.2 (MANE Select); coding-DNA position 763, G replaced by A.
Protein change: p.Val255Met; replaces valine 255 with methionine.
Molecular consequence: missense variant. On other transcripts: non-coding transcript variant (1).
Genome position (GRCh38, 1-based): chr20:63,672,619, G>A. VCF-style: chr20-63672619-G-A. GRCh37 (hg19) VCF-style: chr20-62303972-G-A.
Other names: c.835G>A (NM_032957.4); c.94G>A, p.Val32Met (NM_001283010.1); c.763G>A, p.Val255Met (NM_016434.4); c.835G>A, p.Val279Met (NM_032957.5); short protein forms V279M, V255M, V32M.
Identifiers: ClinVar variation 840820 (VCV000840820.10), dbSNP rs778675789, ClinGen allele CA9964428.
Genomic context (GRCh38, chr20:63,672,619, plus strand): 5'-CGCAGAGCACACAACATTGACCTGAAGGGGACAGTCGTGATCTTTGACGAAGCTCACAAC[G>A]TGGTGAGTCTCCGCTGGCCTCCTAAACACCTCCTATTGCTTCTGGCCTTTTTGTCAAGAG-3'
Protein context (NP_001269938.1, residues 245-265): TVVIFDEAHN[Val255Met]EKMCEESASF

ClinVar aggregate classification (germline): Uncertain significance. Review status: criteria provided, multiple submitters, no conflicts (2 of 4 stars). 6 submissions from 6 submitters: Uncertain significance (5). 1 of the submissions does not count toward it. Last evaluated 2025-08-24.

Conditions:
Pulmonary fibrosis and/or bone marrow failure, Telomere-related, 3. Also called: PULMONARY FIBROSIS AND/OR BONE MARROW FAILURE SYNDROME, TELOMERE-RELATED, 3. Identifiers: Orphanet 2032, MedGen C4225346, MONDO:0014613, OMIM 616373.
Dyskeratosis congenita, autosomal recessive 5 (DKCB5). Identifiers: MedGen C3554656, MONDO:0014076, OMIM 615190.
Inborn genetic diseases. Identifiers: MedGen C0950123, MeSH D030342.
Dyskeratosis congenita. Identifiers: Orphanet 1775, MedGen C0265965, MONDO:0015780.

Allele frequency attached by ClinVar (database versions not stated): ExAC 0.00003; gnomAD 0.00004; gnomAD exomes 0.00004; TOPMed 0.00004.
gnomAD v4.1: 82 of 1,581,318 alleles (0.0052%); highest among the groups gnomAD compares: Middle Eastern, 0.017%; no homozygotes.

Submissions (6):

Labcorp Genetics (formerly Invitae), Labcorp
Classification: Uncertain significance for Dyskeratosis congenita, autosomal recessive 5; Pulmonary fibrosis and/or bone marrow failure, Telomere-related, 3. Last evaluated: 2025-08-24. Review status: criteria provided, single submitter. Criteria: Invitae Variant Classification Sherloc (09022015). Collection method: clinical testing. Allele origin: germline.
Comment: This sequence change replaces valine, which is neutral and non-polar, with methionine, which is neutral and non-polar, at codon 255 of the RTEL1 protein (p.Val255Met). This variant is present in population databases (rs778675789, gnomAD 0.01%). This variant has not been reported in the literature in individuals affected with RTEL1-related conditions. ClinVar contains an entry for this variant (Variation ID: 840820). An algorithm developed to predict the effect of missense changes on protein structure and function (PolyPhen-2) suggests that this variant is likely to be disruptive. In summary, the available evidence is currently insufficient to determine the role of this variant in disease. Therefore, it has been classified as a Variant of Uncertain Significance.

GeneDx
Classification: Uncertain significance. Last evaluated: 2025-07-22. Review status: criteria provided, single submitter. Criteria: GeneDx Variant Classification Process June 2021. Collection method: clinical testing. Allele origin: germline. Affected: yes.
Comment: Has not been previously published as pathogenic or benign to our knowledge; In silico analysis supports that this missense variant does not alter protein structure/function

Ambry Genetics
Classification: Uncertain significance for Inborn genetic diseases. Last evaluated: 2024-10-04. Review status: criteria provided, single submitter. Criteria: Ambry Variant Classification Scheme 2023. Collection method: clinical testing. Allele origin: germline.
Comment: The p.V255M variant (also known as c.763G>A), located in coding exon 8 of the RTEL1 gene, results from a G to A substitution at nucleotide position 763. The valine at codon 255 is replaced by methionine, an amino acid with highly similar properties. This amino acid position is conserved. In addition, the in silico prediction for this alteration is inconclusive. Based on the available evidence, the clinical significance of this variant remains unclear.

Sema4
Classification: Uncertain significance for Dyskeratosis congenita. Last evaluated: 2022-01-06. Review status: criteria provided, single submitter. Criteria: Sema4 Curation Guidelines. Collection method: curation. Allele origin: germline.
Comment: The RTEL1 c.763G>A (p.V255M) variant has not been reported in the literature to our knowledge. It was observed in 9/232248 chromosomes across the large and broad cohorts of the Genome Aggregation Database (PMID: 32461654). The variant has been reported in ClinVar (Variation ID 840820). Functional studies have not been performed, and in silico predictions of the variant's effect on protein function are inconclusive. The evidence is insufficient to meet ACMG/AMP criteria for classifying the variant as benign or pathogenic. Thus, the clinical significance of this variant is currently uncertain.

Johns Hopkins Genomics, Johns Hopkins University
Classification: Uncertain significance for Pulmonary fibrosis and/or bone marrow failure, Telomere-related, 3. Last evaluated: 2021-11-16. Review status: criteria provided, single submitter. Criteria: ACMG Guidelines, 2015. Collection method: clinical testing. Allele origin: germline.
Comment: This RTEL1 variant (rs778675789) is rare (<0.1%) in a large population dataset (gnomAD: 9/232248 total alleles; 0.003875%; no homozygotes). It has not been reported in the literature to our knowledge, but there is an entry in ClinVar. Of three bioinformatics tools queried, two predict that the substitution would be damaging, while one predicts that it would be tolerated. The valine residue at this position is evolutionarily conserved across most species assessed. We consider the clinical significance of c.763G>A to be uncertain at this time.

Natera, Inc.
Classification: Uncertain significance for Dyskeratosis congenita. Last evaluated: 2020-12-18. Review status: no assertion criteria provided. Collection method: clinical testing. Allele origin: germline. Not counted in ClinVar's aggregate classification.

Literature cited by the submitters: PubMed 24582487 (cited by Johns Hopkins Genomics, Johns Hopkins University).